The following is an entry in ClinVar:

NM_001004051.4(GPRASP2):c.1298C>T (p.Ala433Val)

Genes: ARMCX5-GPRASP2 (ARMCX5-GPRASP2 readthrough; plus strand), GPRASP2 (G protein-coupled receptor associated sorting protein 2; plus strand). Cytogenetic location: Xq22.1.
Variant type: single nucleotide variant.
Coding change: c.1298C>T on transcript NM_001004051.4 (MANE Select); coding-DNA position 1298, C replaced by T.
Protein change: p.Ala433Val; replaces alanine 433 with valine.
Molecular consequence: missense variant. On other transcripts: intron variant (3).
Genome position (GRCh38, 1-based): chrX:102,716,167, C>T. VCF-style: chrX-102716167-C-T. GRCh37 (hg19) VCF-style: chrX-101971095-C-T.
Other names: c.1298C>T, p.Ala433Val (NM_001199818.1, NM_001184874.3, NM_001184875.3 and 2 more transcripts); c.-820+1901C>T (NM_001350268.2); c.-752+1901C>T (NM_001350269.2); c.-721+1901C>T (NM_001350270.1); short protein forms A433V.
Identifiers: ClinVar variation 2310947 (VCV002310947.4), dbSNP rs199574855, ClinGen allele CA10476565.
Genomic context (GRCh38, chrX:102,716,167, plus strand): 5'-CTGAGGAGGGGGCCATTGGCGGATCCGCGTACTGGGCTGAGGAAAAGTCCAGTTTGGGGG[C>T]TGTGGCCAGAGAAGAGGCCAAGCCGGAGTCTGAAGAAGAGGCCATATTTGGGTCCTGGTT-3'
Protein context (NP_001004051.1, residues 423-443): YWAEEKSSLG[Ala433Val]VAREEAKPES

ClinVar aggregate classification (germline): Uncertain significance. Review status: criteria provided, single submitter (1 of 4 stars). 2 submissions from 2 submitters: Uncertain significance (1). 1 of the submissions does not count toward it. Last evaluated 2022-10-04.

Conditions:
GPRASP2-related disorder. Also called: GPRASP2-related condition.

Allele frequency attached by ClinVar (database versions not stated): gnomAD 0.00010; TOPMed 0.00012; gnomAD exomes 0.00015; ExAC 0.00019.
gnomAD v4.1: 190 of 1,205,631 alleles (0.016%); highest among the groups gnomAD compares: Middle Eastern, 0.48%; no homozygotes.

Submissions (2):

Ambry Genetics
Classification: Uncertain significance. Last evaluated: 2022-10-04. Review status: criteria provided, single submitter. Criteria: Ambry Variant Classification Scheme 2023. Collection method: clinical testing. Allele origin: germline.

PreventionGenetics, part of Exact Sciences
Classification: Likely benign for GPRASP2-related condition. Last evaluated: 2023-06-19. Review status: no assertion criteria provided. Collection method: clinical testing. Allele origin: germline. Not counted in ClinVar's aggregate classification.
Comment: This variant is classified as likely benign based on ACMG/AMP sequence variant interpretation guidelines (Richards et al. 2015 PMID: 25741868, with internal and published modifications).